The following is an entry in ClinVar:

NM_005535.3(IL12RB1):c.635G>A (p.Arg212Gln)

Gene: IL12RB1 (interleukin 12 receptor subunit beta 1; minus strand). Cytogenetic location: 19p13.11.
Variant type: single nucleotide variant.
Coding change: c.635G>A on transcript NM_005535.3 (MANE Select); coding-DNA position 635, G replaced by A.
Protein change: p.Arg212Gln; replaces arginine 212 with glutamine.
Molecular consequence: missense variant.
Genome position (GRCh38, 1-based): chr19:18,075,814, C>T on the plus strand (G>A on the coding strand, the complement: IL12RB1 is on the minus strand). VCF-style: chr19-18075814-C-T. GRCh37 (hg19) VCF-style: chr19-18186624-C-T.
Other names: c.635G>A, p.Arg212Gln (NM_001290023.2, NM_153701.3); c.755G>A, p.Arg252Gln (NM_001290024.2); short protein forms R252Q, R212Q.
Identifiers: ClinVar variation 1375086 (VCV001375086.8), dbSNP rs748173451, ClinGen allele CA9305131.
Genomic context (GRCh38, chr19:18,075,814, plus strand): 5'-GGAACGCACACGGGGCTGCTCCACTTGCTCCAGGAACTTCCTTGGCTCCCCAGCTGCCGT[C>T]GTCGGAGCTGGAATTCCTGGGCCACATTCATCTCCAGGGGGCAGAGGCAGGACTCTGGGG-3'
Protein context (NP_005526.1, residues 202-222): MNVAQEFQLR[Arg212Gln]RQLGSQGSSW

ClinVar aggregate classification (germline): Pathogenic (1 of 4 stars; one submission).

Conditions:
Mendelian susceptibility to mycobacterial diseases due to complete IL12RB1 deficiency. Also called: IL12RB1 DEFICIENCY; Immunodeficiency 30. Identifiers: Orphanet 319552, MedGen C4013949, MONDO:0013955, OMIM 614891.

Allele frequency attached by ClinVar (database versions not stated): ExAC 0.00001.
gnomAD v4.1: 2 of 1,612,284 alleles (0.00012%); highest among the groups gnomAD compares: Admixed American, 0.0017%; no homozygotes.

Submission:

Labcorp Genetics (formerly Invitae), Labcorp
Classification: Pathogenic for Mendelian susceptibility to mycobacterial diseases due to complete IL12RB1 deficiency. Last evaluated: 2021-05-19. Review status: criteria provided, single submitter. Criteria: Invitae Variant Classification Sherloc (09022015). Collection method: clinical testing. Allele origin: germline.
Comment: For these reasons, this variant has been classified as Pathogenic. Experimental studies have shown that this variant affects IL12RB1 protein function (PMID: 30998751). This variant has been observed in individual(s) with mendelian susceptibility to mycobacterial disease (PMID: 30998751, 29995221, 31367980). It has also been observed to segregate with disease in related individuals. This variant is present in population databases (rs748173451, ExAC 0.009%). This sequence change replaces arginine with glutamine at codon 212 of the IL12RB1 protein (p.Arg212Gln). The arginine residue is highly conserved and there is a small physicochemical difference between arginine and glutamine.

Literature cited by the submitters: PubMed 30998751; PubMed 29995221; PubMed 31367980.